The following is an entry in ClinVar:

ClinVar aggregate classification (germline): Uncertain significance (1 of 4 stars; one submission).

Conditions:
Ullrich congenital muscular dystrophy 2 (UCMD2). Identifiers: Orphanet 75840, MedGen C4225314, MONDO:0014654, OMIM 616470.
Bethlem myopathy 2 (BTHLM2). Identifiers: Orphanet 536516, Orphanet 610, MedGen C4225313, MONDO:0034022, OMIM 616471.

Allele frequency attached by ClinVar (database versions not stated): gnomAD exomes below 0.00001; TOPMed below 0.00001; gnomAD 0.00001.
gnomAD v4.1: 2 of 1,614,086 alleles (0.00012%); no homozygotes.

Submission:

Labcorp Genetics (formerly Invitae), Labcorp
Classification: Uncertain significance for Bethlem myopathy 2; Ullrich congenital muscular dystrophy 2. Last evaluated: 2023-07-07. Review status: criteria provided, single submitter. Criteria: Invitae Variant Classification Sherloc (09022015). Collection method: clinical testing. Allele origin: germline.
Comment: In summary, the available evidence is currently insufficient to determine the role of this variant in disease. Therefore, it has been classified as a Variant of Uncertain Significance. Advanced modeling of protein sequence and biophysical properties (such as structural, functional, and spatial information, amino acid conservation, physicochemical variation, residue mobility, and thermodynamic stability) performed at Invitae indicates that this missense variant is expected to disrupt COL12A1 protein function. ClinVar contains an entry for this variant (Variation ID: 1024139). This variant has not been reported in the literature in individuals affected with COL12A1-related conditions. This variant is present in population databases (no rsID available, gnomAD 0.01%). This sequence change replaces valine, which is neutral and non-polar, with glycine, which is neutral and non-polar, at codon 482 of the COL12A1 protein (p.Val482Gly).

NM_004370.6(COL12A1):c.1445T>G (p.Val482Gly)

Gene: COL12A1 (collagen type XII alpha 1 chain; minus strand). Cytogenetic location: 6q13.
Variant type: single nucleotide variant.
Coding change: c.1445T>G on transcript NM_004370.6 (MANE Select); coding-DNA position 1445, T replaced by G.
Protein change: p.Val482Gly; replaces valine 482 with glycine.
Molecular consequence: missense variant. On other transcripts: intron variant (1).
Genome position (GRCh38, 1-based): chr6:75,183,496, A>C on the plus strand (T>G on the coding strand, the complement: COL12A1 is on the minus strand). VCF-style: chr6-75183496-A-C. GRCh37 (hg19) VCF-style: chr6-75893212-A-C.
Other names: c.73+19224T>G (NM_080645.3); short protein forms V482G.
Identifiers: ClinVar variation 1024139 (VCV001024139.5), dbSNP rs1445434863, ClinGen allele CA364770427.